The following is an entry in ClinVar:

NM_005529.7(HSPG2):c.5080C>T (p.His1694Tyr)

Gene: HSPG2 (heparan sulfate proteoglycan 2; minus strand). Cytogenetic location: 1p36.12.
Variant type: single nucleotide variant.
Coding change: c.5080C>T on transcript NM_005529.7 (MANE Select); coding-DNA position 5080, C replaced by T.
Protein change: p.His1694Tyr; replaces histidine 1694 with tyrosine.
Molecular consequence: missense variant.
Genome position (GRCh38, 1-based): chr1:21,859,937, G>A on the plus strand (C>T on the coding strand, the complement: HSPG2 is on the minus strand). VCF-style: chr1-21859937-G-A. GRCh37 (hg19) VCF-style: chr1-22186430-G-A.
Other names: c.5083C>T, p.His1695Tyr (NM_001291860.2); short protein forms H1694Y, H1695Y.
Identifiers: ClinVar variation 1329841 (VCV001329841.2), dbSNP rs865966483, ClinGen allele CA19130109.

ClinVar aggregate classification (germline): Uncertain significance (1 of 4 stars; one submission).

Allele frequency attached by ClinVar (database versions not stated): gnomAD exomes below 0.00001.
gnomAD v4.1: 2 of 1,610,542 alleles (0.00012%); highest among the groups gnomAD compares: Middle Eastern, 0.033%; no homozygotes.

Submission:

GeneDx
Classification: Uncertain significance. Last evaluated: 2021-06-24. Review status: criteria provided, single submitter. Criteria: GeneDx Variant Classification Process June 2021. Collection method: clinical testing. Allele origin: germline. Affected: yes.
Comment: Not observed at significant frequency in large population cohorts (Lek et al., 2016); In silico analysis supports that this missense variant does not alter protein structure/function; Has not been previously published as pathogenic or benign to our knowledge; This variant is associated with the following publications: (PMID: 27535533)